The following is an entry in ClinVar:

NM_001321075.3(DLG4):c.417G>C (p.Glu139Asp)

Gene: DLG4 (discs large MAGUK scaffold protein 4; minus strand). Cytogenetic location: 17p13.1.
Variant type: single nucleotide variant.
Coding change: c.417G>C on transcript NM_001321075.3 (MANE Select); coding-DNA position 417, G replaced by C.
Protein change: p.Glu139Asp; replaces glutamic acid 139 with aspartic acid.
Molecular consequence: missense variant. On other transcripts: non-coding transcript variant (1).
Genome position (GRCh38, 1-based): chr17:7,203,512, C>G on the plus strand (G>C on the coding strand, the complement: DLG4 is on the minus strand). VCF-style: chr17-7203512-C-G. GRCh37 (hg19) VCF-style: chr17-7106831-C-G.
Other names: c.408G>C, p.Glu136Asp (NM_001128827.4); c.537G>C, p.Glu179Asp (NM_001321074.1); c.237G>C, p.Glu79Asp (NM_001321076.3, NM_001321077.3); c.546G>C, p.Glu182Asp (NM_001365.5); c.336G>C, p.Glu112Asp (NM_001369566.3); short protein forms E112D, E136D, E139D, E179D, E182D, E79D.
Identifiers: ClinVar variation 2506704 (VCV002506704.1), dbSNP rs2508024885, ClinGen allele CA397719430.

ClinVar aggregate classification (germline): Uncertain significance (1 of 4 stars; one submission).

Submission:

GeneDx
Classification: Uncertain significance. Last evaluated: 2022-12-22. Review status: criteria provided, single submitter. Criteria: GeneDx Variant Classification Process June 2021. Collection method: clinical testing. Allele origin: germline. Affected: yes.
Comment: Not observed at significant frequency in large population cohorts (gnomAD); In silico analysis supports that this missense variant has a deleterious effect on protein structure/function; Has not been previously published as pathogenic or benign to our knowledge